The following is an entry in ClinVar:

NM_001127898.4(CLCN5):c.1975del (p.Arg659fs)

Genes: CLCN5 (Cl-/H+ antiporter 5; plus strand), LOC126863258 (BRD4-independent group 4 enhancer GRCh37_chrX:49854497-49855696; plus strand). Cytogenetic location: Xp11.23.
Variant type: Deletion.
Coding change: c.1975del on transcript NM_001127898.4 (MANE Select); coding-DNA position 1975, one base deleted (C; older notation c.1975delC).
Protein change: p.Arg659fs; shifts the reading frame from arginine 659.
Molecular consequence: frameshift variant. On other transcripts: non-coding transcript variant (1).
Genome position (GRCh38, 1-based): chrX:50,090,346, C deleted; the last of 4 consecutive C bases (chrX:50,090,343-50,090,346); deleting any one gives the same sequence. VCF-style (leftmost placement, unchanged base first): chrX-50090342-AC-A. GRCh37 (hg19) VCF-style: chrX-49854999-AC-A.
Other names: c.1765del, p.Arg589fs (NM_000084.5); c.1975del, p.Arg659fs (NM_001127899.4); c.1825del, p.Arg609fs (NM_001282163.2); c.1987del, p.Arg663fs (NM_001440756.1, NM_001440757.1); c.1762delC (NM_000084.5); short protein forms R589fs, R609fs, R659fs, R663fs.
Identifiers: ClinVar variation 4526847 (VCV004526847.1).

ClinVar aggregate classification (germline): Likely pathogenic (1 of 4 stars; one submission).

Conditions:
Hypophosphatemic rickets, X-linked recessive (XLHRR). Identifiers: Orphanet 1652, Orphanet 93622, MedGen C1845168, MONDO:0010358, OMIM 300554.
Proteinuria, low molecular weight, with hypercalciuria and nephrocalcinosis. Identifiers: Orphanet 1652, Orphanet 93622, MedGen C1839874, MONDO:0010644, OMIM 308990.
Dent disease type 1 (DENT1). Also called: NEPHROLITHIASIS 2; NEPHROLITHIASIS, HYPERCALCIURIC, X-LINKED. Identifiers: Orphanet 1652, Orphanet 93622, MedGen C1848336, MONDO:0010225, OMIM 300009.
X-linked recessive nephrolithiasis with renal failure (XRN). Also called: NEPHROLITHIASIS 1; NEPHROLITHIASIS, X-LINKED RECESSIVE, TYPE 1; UROLITHIASIS, X-LINKED RECESSIVE, TYPE 1. Identifiers: Orphanet 1652, Orphanet 93622, MedGen C0403720, MONDO:0010687, OMIM 310468.

Submission:

Rare Kidney Stone Consortium and the Mayo Clinic Hyperoxaluria Center, Mayo Clinic
Classification: Likely pathogenic for Dent disease type 1; Hypophosphatemic rickets, X-linked recessive; X-linked recessive nephrolithiasis with renal failure; Proteinuria, low molecular weight, with hypercalciuria and nephrocalcinosis. Last evaluated: 2025-10-03. Review status: criteria provided, single submitter. Criteria: ACMG Guidelines, 2015. Collection method: research. Allele origin: germline. Affected: yes. Observed: 1 variant allele.
Comment: ACMG:PVS1, PM2, PM6, PP4

Literature cited by the submitters: PubMed 40794449.